The following is an entry in ClinVar:

NM_138694.4(PKHD1):c.5534A>G (p.Gln1845Arg)

Gene: PKHD1 (PKHD1 ciliary IPT domain containing fibrocystin/polyductin; minus strand). Cytogenetic location: 6p12.2.
Variant type: single nucleotide variant.
Coding change: c.5534A>G on transcript NM_138694.4 (MANE Select); coding-DNA position 5534, A replaced by G.
Protein change: p.Gln1845Arg; replaces glutamine 1845 with arginine.
Molecular consequence: missense variant.
Genome position (GRCh38, 1-based): chr6:52,017,476, T>C on the plus strand (A>G on the coding strand, the complement: PKHD1 is on the minus strand). VCF-style: chr6-52017476-T-C. GRCh37 (hg19) VCF-style: chr6-51882274-T-C.
Other names: c.5534A>G, p.Gln1845Arg (NM_170724.3); short protein forms Q1845R.
Identifiers: ClinVar variation 697151 (VCV000697151.14), dbSNP rs566044331, ClinGen allele CA3852496.

ClinVar aggregate classification (germline): Conflicting classifications of pathogenicity. Review status: criteria provided, conflicting classifications (1 of 4 stars). 3 submissions from 3 submitters: Uncertain significance (1); Likely benign (1). 1 of the submissions does not count toward it. Last evaluated 2026-02-02.

Conditions:
PKHD1-related disorder. Also called: PKHD1-related condition.
Autosomal recessive polycystic kidney disease (ARPKD). Also called: AR polycystic kidney disease. Identifiers: Orphanet 731, Orphanet 8378, MedGen C0085548, MeSH D017044, MONDO:0009889.

Allele frequency attached by ClinVar (database versions not stated): gnomAD 0.00001 and 0.00017; TOPMed 0.00003; 1000 Genomes Project 30x 0.00078; 1000 Genomes Project 0.00080.
gnomAD v4.1: 313 of 1,614,168 alleles (0.019%); highest among the groups gnomAD compares: South Asian, 0.33%; 1 homozygote.

Submissions (3):

Labcorp Genetics (formerly Invitae), Labcorp
Classification: Likely benign for Autosomal recessive polycystic kidney disease. Last evaluated: 2026-02-02. Review status: criteria provided, single submitter. Criteria: Invitae Variant Classification Sherloc (09022015). Collection method: clinical testing. Allele origin: germline.

GeneDx
Classification: Uncertain significance. Last evaluated: 2023-07-03. Review status: criteria provided, single submitter. Criteria: GeneDx Variant Classification Process June 2021. Collection method: clinical testing. Allele origin: germline. Affected: yes.
Comment: In silico analysis supports that this missense variant does not alter protein structure/function; Has not been previously published as pathogenic or benign to our knowledge

PreventionGenetics, part of Exact Sciences
Classification: Likely benign for PKHD1-related condition. Last evaluated: 2022-05-10. Review status: no assertion criteria provided. Collection method: clinical testing. Allele origin: germline. Not counted in ClinVar's aggregate classification.
Comment: This variant is classified as likely benign based on ACMG/AMP sequence variant interpretation guidelines (Richards et al. 2015 PMID: 25741868, with internal and published modifications).